The following is an entry in ClinVar:

NM_014915.3(ANKRD26):c.3826C>T (p.Arg1276Ter)

Gene: ANKRD26 (ankyrin repeat domain 26; minus strand). Cytogenetic location: 10p12.1.
Variant type: single nucleotide variant.
Coding change: c.3826C>T on transcript NM_014915.3 (MANE Select); coding-DNA position 3826, C replaced by T.
Protein change: p.Arg1276Ter; replaces arginine 1276 with a stop codon.
Molecular consequence: nonsense.
Genome position (GRCh38, 1-based): chr10:27,029,338, G>A on the plus strand (C>T on the coding strand, the complement: ANKRD26 is on the minus strand). VCF-style: chr10-27029338-G-A. GRCh37 (hg19) VCF-style: chr10-27318267-G-A.
Other names: c.3823C>T, p.Arg1275Ter (NM_001256053.2); short protein forms R1275*, R1276*.
Identifiers: ClinVar variation 3714032 (VCV003714032.2).

ClinVar aggregate classification (germline): Uncertain significance (1 of 4 stars; one submission).

gnomAD v4.1: 5 of 1,612,222 alleles (0.00031%); highest among the groups gnomAD compares: Middle Eastern, 0.016%; no homozygotes.

Submission:

Labcorp Genetics (formerly Invitae), Labcorp
Classification: Uncertain significance. Last evaluated: 2024-08-04. Review status: criteria provided, single submitter. Criteria: Invitae Variant Classification Sherloc (09022015). Collection method: clinical testing. Allele origin: germline.
Comment: This sequence change creates a premature translational stop signal (p.Arg1276*) in the ANKRD26 gene. It is expected to result in an absent or disrupted protein product. However, the current clinical and genetic evidence is not sufficient to establish whether loss-of-function variants in ANKRD26 cause disease. This variant is present in population databases (rs776024539, gnomAD no frequency). This variant has not been reported in the literature in individuals affected with ANKRD26-related conditions. Algorithms developed to predict the effect of sequence changes on RNA splicing suggest that this variant may disrupt the consensus splice site. In summary, the available evidence is currently insufficient to determine the role of this variant in disease. Therefore, it has been classified as a Variant of Uncertain Significance.